The following is an entry in ClinVar:

ClinVar aggregate classification (germline): Uncertain significance. Review status: criteria provided, multiple submitters, no conflicts (2 of 4 stars). 2 submissions from 2 submitters: Uncertain significance (2). Last evaluated 2025-05-19.

Conditions:
Inborn genetic diseases. Identifiers: MedGen C0950123, MeSH D030342.

gnomAD v4.1: 4 of 1,605,196 alleles (0.00025%); highest among the groups gnomAD compares: South Asian, 0.0033%; no homozygotes.

Submissions (2):

Ambry Genetics
Classification: Uncertain significance for Inborn genetic diseases. Last evaluated: 2025-05-19. Review status: criteria provided, single submitter. Criteria: Ambry Variant Classification Scheme 2023. Collection method: clinical testing. Allele origin: germline.

Labcorp Genetics (formerly Invitae), Labcorp
Classification: Uncertain significance. Last evaluated: 2024-10-05. Review status: criteria provided, single submitter. Criteria: Invitae Variant Classification Sherloc (09022015). Collection method: clinical testing. Allele origin: germline.
Comment: This sequence change replaces proline, which is neutral and non-polar, with serine, which is neutral and polar, at codon 731 of the TNNI3K protein (p.Pro731Ser). This variant is not present in population databases (gnomAD no frequency). This variant has not been reported in the literature in individuals affected with TNNI3K-related conditions. An algorithm developed to predict the effect of missense changes on protein structure and function (PolyPhen-2) suggests that this variant is likely to be tolerated. In summary, the available evidence is currently insufficient to determine the role of this variant in disease. Therefore, it has been classified as a Variant of Uncertain Significance.

NM_015978.3(TNNI3K):c.2191C>T (p.Pro731Ser)

Genes: FPGT-TNNI3K (FPGT-TNNI3K readthrough; plus strand), LRRC53 (leucine rich repeat containing 53; minus strand), TNNI3K (TNNI3 interacting kinase; plus strand). Cytogenetic location: 1p31.1.
Variant type: single nucleotide variant.
Coding change: c.2191C>T on transcript NM_015978.3 (MANE Select); coding-DNA position 2191, C replaced by T.
Protein change: p.Pro731Ser; replaces proline 731 with serine.
Molecular consequence: missense variant. On other transcripts: intron variant (2).
Genome position (GRCh38, 1-based): chr1:74,492,106, C>T. VCF-style: chr1-74492106-C-T. GRCh37 (hg19) VCF-style: chr1-74957790-C-T.
Other names: c.2494C>T, p.Pro832Ser (NM_001112808.3); c.-8-11138G>A (NM_001364666.2); c.-26-8731G>A (NM_001382280.1); c.2191C>T (NM_015978.2); short protein forms P731S, P832S.
Identifiers: ClinVar variation 3608743 (VCV003608743.3).